The following is an entry in ClinVar:

NM_000404.4(GLB1):c.560dup (p.Asn187fs)

Gene: GLB1 (galactosidase beta 1; minus strand). Cytogenetic location: 3p22.3.
Variant type: Duplication.
Coding change: c.560dup on transcript NM_000404.4 (MANE Select); coding-DNA position 560, one base duplicated (A; older notation c.560dupA).
Protein change: p.Asn187fs; shifts the reading frame from asparagine 187.
Molecular consequence: frameshift variant. On other transcripts: intron variant (1).
Genome position (GRCh38, 1-based): chr3:33,058,262, T duplicated on the plus strand (A on the coding strand, the reverse complement: GLB1 is on the minus strand); the first of 4 consecutive T bases (chr3:33,058,262-33,058,265); duplicating any one gives the same sequence. VCF-style (leftmost placement, unchanged base first): chr3-33058261-A-AT. GRCh37 (hg19) VCF-style: chr3-33099753-A-AT.
Other names: c.470dup, p.Asn157fs (NM_001079811.3); c.704dup, p.Asn235fs (NM_001317040.2); c.560dup, p.Asn187fs (NM_001393580.1); c.341-4713dup (NM_001135602.3); short protein forms N157fs, N235fs, N187fs.
Identifiers: ClinVar variation 2942613 (VCV002942613.3), dbSNP rs2471398274, ClinGen allele CA2740094342.

ClinVar aggregate classification (germline): Pathogenic (1 of 4 stars; one submission).

Conditions:
Mucopolysaccharidosis, MPS-IV-B (MPS4B). Also called: Mucopolysaccharidosis type 4B; Mucopolysaccharidosis type IVB (Morquio); MPS IVB; MORQUIO SYNDROME B; Mucopolysaccharidosis type IV B; Mucopolysaccharidosis Type IVB. Identifiers: Orphanet 309310, Orphanet 582, MedGen C0086652, MONDO:0009660, OMIM 253010.
GM1 gangliosidosis. Identifiers: Orphanet 354, MedGen C0085131, MONDO:0018149.

Submission:

Labcorp Genetics (formerly Invitae), Labcorp
Classification: Pathogenic for Mucopolysaccharidosis, MPS-IV-B; GM1 gangliosidosis. Last evaluated: 2023-11-13. Review status: criteria provided, single submitter. Criteria: Invitae Variant Classification Sherloc (09022015). Collection method: clinical testing. Allele origin: germline.
Comment: This sequence change creates a premature translational stop signal (p.Asn187Lysfs*2) in the GLB1 gene. It is expected to result in an absent or disrupted protein product. Loss-of-function variants in GLB1 are known to be pathogenic (PMID: 18524657). This variant is not present in population databases (gnomAD no frequency). This variant has not been reported in the literature in individuals affected with GLB1-related conditions. For these reasons, this variant has been classified as Pathogenic.

Literature cited by the submitters: PubMed 18524657.